The following is an entry in ClinVar:

ClinVar aggregate classification (germline): Uncertain significance (1 of 4 stars; one submission).

Allele frequency attached by ClinVar (database versions not stated): gnomAD exomes 0.00001.
gnomAD v4.1: 3 of 1,613,976 alleles (0.00019%); highest among the groups gnomAD compares: Non-Finnish European, 0.00025%; no homozygotes.

Submission:

Labcorp Genetics (formerly Invitae), Labcorp
Classification: Uncertain significance. Last evaluated: 2025-01-13. Review status: criteria provided, single submitter. Criteria: Invitae Variant Classification Sherloc (09022015). Collection method: clinical testing. Allele origin: germline.
Comment: This sequence change replaces aspartic acid, which is acidic and polar, with glycine, which is neutral and non-polar, at codon 219 of the AGBL5 protein (p.Asp219Gly). This variant is not present in population databases (gnomAD no frequency). This variant has not been reported in the literature in individuals affected with AGBL5-related conditions. ClinVar contains an entry for this variant (Variation ID: 955584). An algorithm developed to predict the effect of missense changes on protein structure and function (PolyPhen-2) suggests that this variant is likely to be tolerated. In summary, the available evidence is currently insufficient to determine the role of this variant in disease. Therefore, it has been classified as a Variant of Uncertain Significance.

NM_021831.6(AGBL5):c.656A>G (p.Asp219Gly)

Gene: AGBL5 (AGBL carboxypeptidase 5; plus strand). Cytogenetic location: 2p23.3.
Variant type: single nucleotide variant.
Coding change: c.656A>G on transcript NM_021831.6 (MANE Select); coding-DNA position 656, A replaced by G.
Protein change: p.Asp219Gly; replaces aspartic acid 219 with glycine.
Molecular consequence: missense variant. On other transcripts: non-coding transcript variant (2).
Genome position (GRCh38, 1-based): chr2:27,054,734, A>G. VCF-style: chr2-27054734-A-G. GRCh37 (hg19) VCF-style: chr2-27277602-A-G.
Other names: c.656A>G, p.Asp219Gly (NM_001035507.3); short protein forms D219G.
Identifiers: ClinVar variation 955584 (VCV000955584.9), dbSNP rs1668343385, ClinGen allele CA346173721.